The following is an entry in ClinVar:

ClinVar aggregate classification (germline): Uncertain significance. Review status: criteria provided, multiple submitters, no conflicts (2 of 4 stars). 2 submissions from 2 submitters: Uncertain significance (2). Last evaluated 2023-02-16.

Allele frequency attached by ClinVar (database versions not stated): TOPMed 0.00001; gnomAD exomes 0.00002; ExAC 0.00001.
gnomAD v4.1: 32 of 1,614,004 alleles (0.002%); highest among the groups gnomAD compares: Middle Eastern, 0.016%; no homozygotes.

Submissions (2):

Labcorp Genetics (formerly Invitae), Labcorp
Classification: Uncertain significance. Last evaluated: 2023-02-16. Review status: criteria provided, single submitter. Criteria: Invitae Variant Classification Sherloc (09022015). Collection method: clinical testing. Allele origin: germline.
Comment: This sequence change replaces valine, which is neutral and non-polar, with methionine, which is neutral and non-polar, at codon 516 of the SLC25A12 protein (p.Val516Met). This variant is present in population databases (rs779551152, gnomAD 0.006%). This variant has not been reported in the literature in individuals affected with SLC25A12-related conditions. ClinVar contains an entry for this variant (Variation ID: 594846). Advanced modeling of protein sequence and biophysical properties (such as structural, functional, and spatial information, amino acid conservation, physicochemical variation, residue mobility, and thermodynamic stability) performed at Invitae indicates that this missense variant is not expected to disrupt SLC25A12 protein function. In summary, the available evidence is currently insufficient to determine the role of this variant in disease. Therefore, it has been classified as a Variant of Uncertain Significance.

Eurofins Ntd Llc (ga)
Classification: Uncertain significance. Last evaluated: 2017-11-03. Review status: criteria provided, single submitter. Criteria: EGL Classification Definitions 2015. Collection method: clinical testing. Allele origin: germline. Observed: 1 variant allele, 1 heterozygote.

NM_003705.5(SLC25A12):c.1546G>A (p.Val516Met)

Gene: SLC25A12 (solute carrier family 25 member 12; minus strand). Cytogenetic location: 2q31.1.
Variant type: single nucleotide variant.
Coding change: c.1546G>A on transcript NM_003705.5 (MANE Select); coding-DNA position 1546, G replaced by A.
Protein change: p.Val516Met; replaces valine 516 with methionine.
Molecular consequence: missense variant. On other transcripts: non-coding transcript variant (1).
Genome position (GRCh38, 1-based): chr2:171,791,490, C>T on the plus strand (G>A on the coding strand, the complement: SLC25A12 is on the minus strand). VCF-style: chr2-171791490-C-T. GRCh37 (hg19) VCF-style: chr2-172648000-C-T.
Other names: short protein forms V516M.
Identifiers: ClinVar variation 594846 (VCV000594846.11), dbSNP rs779551152, ClinGen allele CA1966087.